The following is an entry in ClinVar:

NM_003705.5(SLC25A12):c.1130A>C (p.Lys377Thr)

Gene: SLC25A12 (solute carrier family 25 member 12; minus strand). Cytogenetic location: 2q31.1.
Variant type: single nucleotide variant.
Coding change: c.1130A>C on transcript NM_003705.5 (MANE Select); coding-DNA position 1130, A replaced by C.
Protein change: p.Lys377Thr; replaces lysine 377 with threonine.
Molecular consequence: missense variant. On other transcripts: non-coding transcript variant (1).
Genome position (GRCh38, 1-based): chr2:171,813,380, T>G on the plus strand (A>C on the coding strand, the complement: SLC25A12 is on the minus strand). VCF-style: chr2-171813380-T-G. GRCh37 (hg19) VCF-style: chr2-172669890-T-G.
Other names: short protein forms K377T.
Identifiers: ClinVar variation 1970844 (VCV001970844.5), dbSNP rs2545188811, ClinGen allele CA349290147.

ClinVar aggregate classification (germline): Uncertain significance (1 of 4 stars; one submission).

Submission:

Labcorp Genetics (formerly Invitae), Labcorp
Classification: Uncertain significance. Last evaluated: 2025-07-14. Review status: criteria provided, single submitter. Criteria: Invitae Variant Classification Sherloc (09022015). Collection method: clinical testing. Allele origin: germline.
Comment: This sequence change replaces lysine, which is basic and polar, with threonine, which is neutral and polar, at codon 377 of the SLC25A12 protein (p.Lys377Thr). This variant is not present in population databases (gnomAD no frequency). This variant has not been reported in the literature in individuals affected with SLC25A12-related conditions. ClinVar contains an entry for this variant (Variation ID: 1970844). Invitae Evidence Modeling of protein sequence and biophysical properties (such as structural, functional, and spatial information, amino acid conservation, physicochemical variation, residue mobility, and thermodynamic stability) indicates that this missense variant is not expected to disrupt SLC25A12 protein function with a negative predictive value of 80%. In summary, the available evidence is currently insufficient to determine the role of this variant in disease. Therefore, it has been classified as a Variant of Uncertain Significance.